The following is an entry in ClinVar:

NM_001267550.2(TTN):c.41407G>A (p.Glu13803Lys)

Gene: TTN (titin; minus strand). Cytogenetic location: 2q31.2.
Variant type: single nucleotide variant.
Coding change: c.41407G>A on transcript NM_001267550.2 (MANE Select); coding-DNA position 41407, G replaced by A.
Protein change: p.Glu13803Lys; replaces glutamic acid 13803 with lysine.
Molecular consequence: missense variant.
Genome position (GRCh38, 1-based): chr2:178,636,164, C>T on the plus strand (G>A on the coding strand, the complement: TTN is on the minus strand). VCF-style: chr2-178636164-C-T. GRCh37 (hg19) VCF-style: chr2-179500891-C-T.
Other names: c.36484G>A, p.Glu12162Lys (NM_001256850.1); c.14212G>A, p.Glu4738Lys (NM_003319.4); c.14587G>A, p.Glu4863Lys (NM_133432.3); c.14788G>A, p.Glu4930Lys (NM_133437.4); c.33703G>A, p.Glu11235Lys (NM_133378.4); short protein forms E11235K, E13803K, E4863K, E4930K, E4738K, E12162K.
Identifiers: ClinVar variation 179308 (VCV000179308.5), dbSNP rs727504780, ClinGen allele CA184170.

ClinVar aggregate classification (germline): Uncertain significance (1 of 4 stars; one submission).

Submission:

Laboratory for Molecular Medicine, Mass General Brigham Personalized Medicine
Classification: Uncertain significance. Last evaluated: 2014-05-22. Review status: criteria provided, single submitter. Criteria: LMM Criteria. Collection method: clinical testing. Allele origin: germline. Observed: 1 variant allele.
Comment: The Glu11235Lys variant in TTN has not been previously reported in any other fam ilies with cardiomyopathy or in large population studies. Computational predicti on tools and conservation analysis suggest that this variant may impact the prot ein, though this information is not predictive enough to determine pathogenicity . In summary, the clinical significance of the Glu11235Lys variant is uncertain.